The following is an entry in ClinVar:

NM_004318.4(ASPH):c.147C>T (p.Leu49=)

Gene: ASPH (aspartate beta-hydroxylase; minus strand). Cytogenetic location: 8q12.3.
Variant type: single nucleotide variant.
Coding change: c.147C>T on transcript NM_004318.4 (MANE Select); coding-DNA position 147, C replaced by T.
Protein change: p.Leu49=; no amino-acid change (leucine 49 retained).
Molecular consequence: synonymous variant.
Genome position (GRCh38, 1-based): chr8:61,684,145, G>A on the plus strand (C>T on the coding strand, the complement: ASPH is on the minus strand). VCF-style: chr8-61684145-G-A. GRCh37 (hg19) VCF-style: chr8-62596704-G-A.
Other names: c.60C>T, p.Leu20= (NM_001164750.2, NM_001164751.2, NM_001164752.2 and 4 more transcripts); c.147C>T, p.Leu49= (NM_001164754.2, NM_001164755.2, NM_001164756.2 and 1 more transcripts).
Identifiers: ClinVar variation 774242 (VCV000774242.38), dbSNP rs144828443, ClinGen allele CA4762531.
Genomic context (GRCh38, chr8:61,684,145, plus strand): 5'-AGATGTCCAGACGCCCAGCAATGCAATCACCATAAACCACGTGAAGAATGAAGTTCCTGA[G>A]AGTCCGCCTTTCCTCCCATTCTTGTGTCCTCCATGCTTTGTCTCTGTTTAGAAATAAATG-3'
Protein context (NP_004309.2, residues 39-59): GGHKNGRKGG[Leu49=]SGTSFFTWFM

ClinVar aggregate classification (germline): Likely benign. Review status: criteria provided, multiple submitters, no conflicts (2 of 4 stars). 4 submissions from 4 submitters: Likely benign (4). Last evaluated 2026-01-26.

Allele frequency attached by ClinVar (database versions not stated): gnomAD 0.00028 and 0.00041; ESP Exome Variant Server 0.00031; gnomAD exomes 0.00042 and 0.00067; TOPMed 0.00045; ExAC 0.00059; 1000 Genomes Project 0.00080; 1000 Genomes Project 30x 0.00094.
gnomAD v4.1: 706 of 1,613,596 alleles (0.044%); highest among the groups gnomAD compares: Middle Eastern, 1.5%; 7 homozygotes.

Submissions (4):

Labcorp Genetics (formerly Invitae), Labcorp
Classification: Likely benign. Last evaluated: 2026-01-26. Review status: criteria provided, single submitter. Criteria: Invitae Variant Classification Sherloc (09022015). Collection method: clinical testing. Allele origin: germline.

Blueprint Genetics
Classification: Likely benign. Last evaluated: 2024-11-25. Review status: criteria provided, single submitter. Criteria: ACMG Guidelines, 2015. Collection method: clinical testing. Allele origin: germline.

CeGaT Center for Human Genetics Tuebingen
Classification: Likely benign. Last evaluated: 2023-01-01. Review status: criteria provided, single submitter. Criteria: CeGaT Center For Human Genetics Tuebingen Variant Classification Criteria Version 2. Collection method: clinical testing. Allele origin: germline. Affected: yes. Observed: 1 variant allele.
Comment: ASPH: BP4, BP7, BS2

Breakthrough Genomics
Classification: Likely benign. Review status: criteria provided, single submitter. Criteria: ACMG Guidelines, 2015. Collection method: not provided. Allele origin: germline. Inheritance: Autosomal recessive inheritance. Affected: yes.